The following is an entry in ClinVar:

ClinVar aggregate classification (germline): Uncertain significance (1 of 4 stars; one submission).

Conditions:
Neurodevelopmental disorder with parkinsonism or other movement abnormalities. Identifiers: MedGen CN380875, MONDO:0980990, OMIM 621506.
Vici syndrome (VICIS). Identifiers: Orphanet 1493, MedGen C1855772, MONDO:0009452, OMIM 242840.

gnomAD v4.1: 10 of 1,613,962 alleles (0.00062%); highest among the groups gnomAD compares: South Asian, 0.0022%; no homozygotes.

Submission:

Juno Genomics, Hangzhou Juno Genomics, Inc
Classification: Uncertain significance for Neurodevelopmental disorder with parkinsonism or other movement abnormalities; Vici syndrome. Review status: criteria provided, single submitter. Criteria: ACMG Guidelines, 2015. Collection method: clinical testing. Allele origin: germline.
Comment: Absent from controls (or at extremely low frequency if recessive) in Genome Aggregation Database.

NM_020964.3(EPG5):c.6479C>T (p.Ser2160Leu)

Gene: EPG5 (ectopic P-granules 5 autophagy tethering factor; minus strand). Cytogenetic location: 18q12.3.
Variant type: single nucleotide variant.
Coding change: c.6479C>T on transcript NM_020964.3 (MANE Select); coding-DNA position 6479, C replaced by T.
Protein change: p.Ser2160Leu; replaces serine 2160 with leucine.
Molecular consequence: missense variant.
Genome position (GRCh38, 1-based): chr18:45,866,940, G>A on the plus strand (C>T on the coding strand, the complement: EPG5 is on the minus strand). VCF-style: chr18-45866940-G-A. GRCh37 (hg19) VCF-style: chr18-43446905-G-A.
Other names: c.6479C>T, p.Ser2160Leu (NM_001410858.1); c.6476C>T, p.Ser2159Leu (NM_001410859.1); short protein forms S2159L, S2160L.
Identifiers: ClinVar variation 5018982 (VCV005018982.2).